The following is an entry in ClinVar:

NM_001378454.1(ALMS1):c.12062G>A (p.Gly4021Asp)

Genes: ALMS1 (ALMS1 centrosome and basal body associated protein; plus strand), LOC126806252 (BRD4-independent group 4 enhancer GRCh37_chr2:73828496-73829695; plus strand). Cytogenetic location: 2p13.1.
Variant type: single nucleotide variant.
Coding change: c.12062G>A on transcript NM_001378454.1 (MANE Select); coding-DNA position 12062, G replaced by A.
Protein change: p.Gly4021Asp; replaces glycine 4021 with aspartic acid.
Molecular consequence: missense variant.
Genome position (GRCh38, 1-based): chr2:73,601,384, G>A. VCF-style: chr2-73601384-G-A. GRCh37 (hg19) VCF-style: chr2-73828511-G-A.
Other names: c.12065G>A, p.Gly4022Asp (NM_015120.4); short protein forms G4022D, G4021D.
Identifiers: ClinVar variation 1748760 (VCV001748760.5), dbSNP rs767131644, ClinGen allele CA1715414.

ClinVar aggregate classification (germline): Conflicting classifications of pathogenicity. Review status: criteria provided, conflicting classifications (1 of 4 stars). 2 submissions from 2 submitters: Uncertain significance (1); Likely benign (1). Last evaluated 2026-02-06.

Conditions:
Cardiovascular phenotype. Identifiers: MedGen CN230736.
Alstrom syndrome (ALMS). Identifiers: Orphanet 64, MedGen C0268425, MONDO:0008763, OMIM 203800.

Allele frequency attached by ClinVar (database versions not stated): gnomAD exomes below 0.00001; ExAC 0.00002.
gnomAD v4.1: 2 of 1,614,114 alleles (0.00012%); highest among the groups gnomAD compares: East Asian, 0.0022%; no homozygotes.

Submissions (2):

Ambry Genetics
Classification: Likely benign for Cardiovascular phenotype. Last evaluated: 2026-02-06. Review status: criteria provided, single submitter. Criteria: Ambry Variant Classification Scheme 2023. Collection method: clinical testing. Allele origin: germline.

Labcorp Genetics (formerly Invitae), Labcorp
Classification: Uncertain significance for Alstrom syndrome. Last evaluated: 2022-07-06. Review status: criteria provided, single submitter. Criteria: Invitae Variant Classification Sherloc (09022015). Collection method: clinical testing. Allele origin: germline.
Comment: This sequence change replaces glycine, which is neutral and non-polar, with aspartic acid, which is acidic and polar, at codon 4022 of the ALMS1 protein (p.Gly4022Asp). This variant is present in population databases (rs767131644, gnomAD 0.02%). This variant has not been reported in the literature in individuals affected with ALMS1-related conditions. Experimental studies and prediction algorithms are not available or were not evaluated, and the functional significance of this variant is currently unknown. In summary, the available evidence is currently insufficient to determine the role of this variant in disease. Therefore, it has been classified as a Variant of Uncertain Significance.